The following is an entry in ClinVar:

NM_015443.4(KANSL1):c.836A>T (p.Asp279Val)

Gene: KANSL1 (KAT8 regulatory NSL complex subunit 1). Cytogenetic location: 17q21.31.
Variant type: single nucleotide variant.
Coding change: c.836A>T on transcript NM_015443.4 (MANE Select); coding-DNA position 836, A replaced by T.
Protein change: p.Asp279Val; replaces aspartic acid 279 with valine.
Molecular consequence: missense variant.
Genome position (GRCh38, 1-based): chr17:46,171,308, T>A on the plus strand (A>T on the coding strand, the complement: KANSL1 is on the minus strand). VCF-style: chr17-46171308-T-A. GRCh37 (hg19) VCF-style: chr17-44248674-T-A.
Other names: c.836A>T, p.Asp279Val (NM_001193465.2, NM_001193466.2, NM_001379198.1); short protein forms D279V.
Identifiers: ClinVar variation 578677 (VCV000578677.12), dbSNP rs1567762446, ClinGen allele CA399980536.

ClinVar aggregate classification (germline): Uncertain significance. Review status: criteria provided, multiple submitters, no conflicts (2 of 4 stars). 2 submissions from 2 submitters: Uncertain significance (2). Last evaluated 2020-03-05.

Conditions:
Koolen-de Vries syndrome (KDVS). Identifiers: Orphanet 96169, MedGen C1864871, MONDO:0012496, OMIM 610443.

Submissions (2):

Labcorp Genetics (formerly Invitae), Labcorp
Classification: Uncertain significance for Koolen-de Vries syndrome. Last evaluated: 2020-03-05. Review status: criteria provided, single submitter. Criteria: Invitae Variant Classification Sherloc (09022015). Collection method: clinical testing. Allele origin: germline.
Comment: This sequence change replaces aspartic acid with valine at codon 279 of the KANSL1 protein (p.Asp279Val). The aspartic acid residue is highly conserved and there is a large physicochemical difference between aspartic acid and valine. This variant is not present in population databases (ExAC no frequency). In summary, the available evidence is currently insufficient to determine the role of this variant in disease. Therefore, it has been classified as a Variant of Uncertain Significance. Algorithms developed to predict the effect of missense changes on protein structure and function do not agree on the potential impact of this missense change (SIFT: "Deleterious"; PolyPhen-2: "Probably Damaging"; Align-GVGD: "Class C15"). This variant has not been reported in the literature in individuals with KANSL1-related disease.

Illumina Laboratory Services, Illumina
Classification: Uncertain significance for Koolen-de Vries syndrome. Last evaluated: 2020-02-19. Review status: criteria provided, single submitter. Criteria: ICSLVariantClassificationCriteria RUGD 01 April 2020. Collection method: clinical testing. Allele origin: unknown.
Comment: The KANSL1 3 c.836A>T (p.Asp279Val) variant is a missense variant. A literature search was performed for the gene, cDNA change, and amino acid change. No publications were found based on this search. This variant is not found in the Genome Aggregation Database in a region of good sequence coverage, so the variant is presumed to be rare. Based on the limited evidence, the p.Asp279Val variant variant is classified as a variant of unknown significance for Koolen-De Vries syndrome.

Literature cited by the submitters: PubMed 20301783 (cited by Illumina Laboratory Services, Illumina).